The following is an entry in ClinVar:

ClinVar aggregate classification (germline): Uncertain significance (1 of 4 stars; one submission).

Submission:

Labcorp Genetics (formerly Invitae), Labcorp
Classification: Uncertain significance. Last evaluated: 2023-01-16. Review status: criteria provided, single submitter. Criteria: Invitae Variant Classification Sherloc (09022015). Collection method: clinical testing. Allele origin: germline.
Comment: This sequence change replaces glycine, which is neutral and non-polar, with glutamic acid, which is acidic and polar, at codon 385 of the SAMD9L protein (p.Gly385Glu). This variant is not present in population databases (gnomAD no frequency). This variant has not been reported in the literature in individuals affected with SAMD9L-related conditions. Algorithms developed to predict the effect of missense changes on protein structure and function output the following: SIFT: "Not Available"; PolyPhen-2: "Benign"; Align-GVGD: "Not Available". The glutamic acid amino acid residue is found in multiple mammalian species, which suggests that this missense change does not adversely affect protein function. In summary, the available evidence is currently insufficient to determine the role of this variant in disease. Therefore, it has been classified as a Variant of Uncertain Significance.

NM_152703.5(SAMD9L):c.1154G>A (p.Gly385Glu)

Gene: SAMD9L (sterile alpha motif domain containing 9 like; minus strand). Cytogenetic location: 7q21.2.
Variant type: single nucleotide variant.
Coding change: c.1154G>A on transcript NM_152703.5 (MANE Select); coding-DNA position 1154, G replaced by A.
Protein change: p.Gly385Glu; replaces glycine 385 with glutamic acid.
Molecular consequence: missense variant.
Genome position (GRCh38, 1-based): chr7:93,134,818, C>T on the plus strand (G>A on the coding strand, the complement: SAMD9L is on the minus strand). VCF-style: chr7-93134818-C-T. GRCh37 (hg19) VCF-style: chr7-92764131-C-T.
Other names: c.1154G>A, p.Gly385Glu (NM_001303496.3, NM_001303497.3, NM_001303498.3 and 5 more transcripts); short protein forms G385E.
Identifiers: ClinVar variation 2829256 (VCV002829256.3), dbSNP rs2535430834, ClinGen allele CA368198526.